The following is an entry in ClinVar:

NM_000156.6(GAMT):c.392-2A>G

Gene: GAMT (guanidinoacetate N-methyltransferase; minus strand). Cytogenetic location: 19p13.3.
Variant type: single nucleotide variant.
Coding change: c.392-2A>G on transcript NM_000156.6 (MANE Select); the canonical splice acceptor site of the intron before coding-DNA position 392, A replaced by G.
Molecular consequence: splice acceptor variant.
Genome position (GRCh38, 1-based): chr19:1,399,197, T>C on the plus strand (A>G on the coding strand, the complement: GAMT is on the minus strand). VCF-style: chr19-1399197-T-C. GRCh37 (hg19) VCF-style: chr19-1399196-T-C.
Other names: c.392-2A>G (NM_138924.3).
Identifiers: ClinVar variation 975394 (VCV000975394.9), dbSNP rs2082618808, ClinGen allele CA402995443.
Genomic context (GRCh38, chr19:1,399,197, plus strand): 5'-GTTGAACTGGTGTGTGTGCCAGGTCTCCTCCGAGAGTGGGTACGTGTCGTACAGGATCCC[T>C]GCACGGAGAACAGAAGCCCACGCGGTCAGGGCCGGGCTCAGCGCCTCACCCAGCCTCACC-3'

ClinVar aggregate classification (germline): Likely pathogenic. Review status: criteria provided, multiple submitters, no conflicts (2 of 4 stars). 3 submissions from 3 submitters: Likely pathogenic (2). 1 of the submissions does not count toward it. Last evaluated 2022-03-01.

Conditions:
Deficiency of guanidinoacetate methyltransferase (CCDS2). Also called: CEREBRAL CREATINE DEFICIENCY SYNDROME 2; Guanidinoacetate Methyltransferase (GAMT) Deficiency; GAMT DEFICIENCY. Identifiers: Orphanet 382, MedGen C0574080, MONDO:0012999, OMIM 612736.
Cerebral creatine deficiency syndrome. Also called: Creatine deficiency syndromes. Identifiers: Orphanet 79172, MedGen C5244016, MONDO:0000456.
Intellectual disability. Also called: intellectual disabilities; Intellectual developmental disorder; Intellectual functioning disability. Identifiers: MedGen C3714756, MeSH D008607, MONDO:0001071, HP:0001249.

Allele frequency attached by ClinVar (database versions not stated): gnomAD exomes below 0.00001.
gnomAD v4.1: 1 of 1,613,476 alleles (0.000062%); highest among the groups gnomAD compares: Non-Finnish European, 0.000085%; no homozygotes.

Submissions (3):

Women's Health and Genetics/Laboratory Corporation of America, LabCorp
Classification: Likely pathogenic for Deficiency of guanidinoacetate methyltransferase. Last evaluated: 2022-03-01. Review status: criteria provided, single submitter. Criteria: LabCorp Variant Classification Summary - May 2015. Collection method: clinical testing. Allele origin: germline.
Comment: Variant summary: GAMT c.392-2A>G is located in a canonical splice-site and is predicted to affect mRNA splicing resulting in a significantly altered protein due to either exon skipping, shortening, or inclusion of intronic material. Several computational tools predict a significant impact on normal splicing: Four predict the variant abolishes a 3 acceptor site. However, these predictions have yet to be confirmed by functional studies. The variant was absent in 250850 control chromosomes (gnomAD). To our knowledge, no occurrence of c.392-2A>G in individuals affected with Cerebral Creatine Deficiency Syndrome 2 and no experimental evidence demonstrating its impact on protein function have been reported. One ClinVar submitter (evaluation after 2014) cites the variant as likely benign. Based on the evidence outlined above, the variant was classified as likely pathogenic.

Labcorp Genetics (formerly Invitae), Labcorp
Classification: Likely pathogenic for Cerebral creatine deficiency syndrome. Last evaluated: 2021-08-26. Review status: criteria provided, single submitter. Criteria: Invitae Variant Classification Sherloc (09022015). Collection method: clinical testing. Allele origin: germline.
Comment: This sequence change affects an acceptor splice site in intron 3 of the GAMT gene. It is expected to disrupt RNA splicing. Variants that disrupt the donor or acceptor splice site typically lead to a loss of protein function (PMID: 16199547), and loss-of-function variants in GAMT are known to be pathogenic (PMID: 15108290). This variant is not present in population databases (ExAC no frequency). This variant has not been reported in the literature in individuals affected with GAMT-related conditions. ClinVar contains an entry for this variant (Variation ID: 975394). Algorithms developed to predict the effect of sequence changes on RNA splicing suggest that this variant may disrupt the consensus splice site. In summary, the currently available evidence indicates that the variant is pathogenic, but additional data are needed to prove that conclusively. Therefore, this variant has been classified as Likely Pathogenic.

Centre de Biologie Pathologie Génétique, Centre Hospitalier Universitaire de Lille
Classification: Likely benign for Intellectual disability. Last evaluated: 2019-01-01. Review status: no assertion criteria provided. Collection method: clinical testing. Allele origin: inherited. Affected: yes. Not counted in ClinVar's aggregate classification.

Literature cited by the submitters: PubMed 16199547 (cited by Labcorp Genetics (formerly Invitae), Labcorp); PubMed 15108290 (cited by Labcorp Genetics (formerly Invitae), Labcorp).